The following is an entry in ClinVar:

ClinVar aggregate classification (germline): Likely pathogenic (1 of 4 stars; one submission).

Conditions:
Multiple endocrine neoplasia, type 1 (MEN1). Also called: MEN I; WERMER SYNDROME; Endocrine adenomatosis multiple; MEN 1; MEA I. Identifiers: Orphanet 652, MedGen C0025267, MeSH D018761, MONDO:0007540, OMIM 131100.

Submission:

Labcorp Genetics (formerly Invitae), Labcorp
Classification: Likely pathogenic for Multiple endocrine neoplasia, type 1. Last evaluated: 2022-05-06. Review status: criteria provided, single submitter. Criteria: Invitae Variant Classification Sherloc (09022015). Collection method: clinical testing. Allele origin: germline.
Comment: ClinVar contains an entry for this variant (Variation ID: 527265). In summary, the currently available evidence indicates that the variant is pathogenic, but additional data are needed to prove that conclusively. Therefore, this variant has been classified as Likely Pathogenic. Advanced modeling of protein sequence and biophysical properties (such as structural, functional, and spatial information, amino acid conservation, physicochemical variation, residue mobility, and thermodynamic stability) performed at Invitae indicates that this missense variant is expected to disrupt MEN1 protein function. This missense change has been observed in individuals with multiple endocrine neoplasia type 1 (PMID: 14686752, 22470073, 25527055; Invitae). This variant is not present in population databases (gnomAD no frequency). This sequence change replaces alanine, which is neutral and non-polar, with proline, which is neutral and non-polar, at codon 342 of the MEN1 protein (p.Ala342Pro).

Literature cited by the submitters: PubMed 14686752; PubMed 22470073; PubMed 25527055.

NM_001370259.2(MEN1):c.1024G>C (p.Ala342Pro)

Gene: MEN1 (menin 1; minus strand). Cytogenetic location: 11q13.1.
Variant type: single nucleotide variant.
Coding change: c.1024G>C on transcript NM_001370259.2 (MANE Select); coding-DNA position 1024, G replaced by C.
Protein change: p.Ala342Pro; replaces alanine 342 with proline.
Molecular consequence: missense variant.
Genome position (GRCh38, 1-based): chr11:64,806,257, C>G on the plus strand (G>C on the coding strand, the complement: MEN1 is on the minus strand). VCF-style: chr11-64806257-C-G. GRCh37 (hg19) VCF-style: chr11-64573729-C-G.
Other names: c.1039G>C, p.Ala347Pro (NM_130800.3, NM_130801.3, NM_130802.3 and 3 more transcripts); c.1024G>C, p.Ala342Pro (NM_001370251.2, NM_001370260.2, NM_001370261.2 and 1 more transcripts); c.919G>C, p.Ala307Pro (NM_001370262.2, NM_001370263.2); short protein forms A342P, A347P, A307P.
Identifiers: ClinVar variation 527265 (VCV000527265.6), dbSNP rs776561706, ClinGen allele CA381183224.